The following is an entry in ClinVar:

NM_015346.4(ZFYVE26):c.327del (p.Asp110fs)

Gene: ZFYVE26 (zinc finger FYVE-type containing 26; minus strand). Cytogenetic location: 14q24.1.
Variant type: Deletion.
Coding change: c.327del on transcript NM_015346.4 (MANE Select); coding-DNA position 327, one base deleted (A; older notation c.327delA).
Protein change: p.Asp110fs; shifts the reading frame from aspartic acid 110.
Molecular consequence: frameshift variant.
Genome position (GRCh38, 1-based): chr14:67,809,236, T deleted on the plus strand (A on the coding strand, the reverse complement: ZFYVE26 is on the minus strand); the first of 2 consecutive T bases (chr14:67,809,236-67,809,237); deleting either gives the same sequence. VCF-style (leftmost placement, unchanged base first): chr14-67809235-CT-C. GRCh37 (hg19) VCF-style: chr14-68275952-CT-C.
Other names: short protein forms D110fs.
Identifiers: ClinVar variation 3023827 (VCV003023827.3), dbSNP rs2502884344, ClinGen allele CA2740097123.

ClinVar aggregate classification (germline): Pathogenic (1 of 4 stars; one submission).

Conditions:
Spastic paraplegia. Identifiers: MedGen C0037772, HP:0001258.

Submission:

Labcorp Genetics (formerly Invitae), Labcorp
Classification: Pathogenic for Spastic paraplegia. Last evaluated: 2023-12-12. Review status: criteria provided, single submitter. Criteria: Invitae Variant Classification Sherloc (09022015). Collection method: clinical testing. Allele origin: germline.
Comment: This sequence change creates a premature translational stop signal (p.Asp110Thrfs*18) in the ZFYVE26 gene. It is expected to result in an absent or disrupted protein product. Loss-of-function variants in ZFYVE26 are known to be pathogenic (PMID: 18394578, 19805727). This variant is not present in population databases (gnomAD no frequency). This variant has not been reported in the literature in individuals affected with ZFYVE26-related conditions. Algorithms developed to predict the effect of sequence changes on RNA splicing suggest that this variant may disrupt the consensus splice site. For these reasons, this variant has been classified as Pathogenic.

Literature cited by the submitters: PubMed 18394578; PubMed 19805727.